The following is an entry in ClinVar:

ClinVar aggregate classification (germline): Uncertain significance. Review status: criteria provided, multiple submitters, no conflicts (2 of 4 stars). 2 submissions from 2 submitters: Uncertain significance (2). Last evaluated 2024-06-27.

Conditions:
Primary familial hypertrophic cardiomyopathy (HCM). Identifiers: Orphanet 99739, MedGen C0949658, MeSH D024741, MONDO:0024573. Inheritance: Various modes of inheritance.
Dilated cardiomyopathy 1AA (CMD1AA). Also called: CARDIOMYOPATHY, DILATED, 1AA, WITH OR WITHOUT LEFT VENTRICULAR NONCOMPACTION; CARDIOMYOPATHY, FAMILIAL HYPERTROPHIC, 23, WITH OR WITHOUT LEFT VENTRICULAR NONCOMPACTION; Cardiomyopathy, dilated, 1AA, with or without LVNC. Identifiers: Orphanet 154, MedGen C2677338, MONDO:0012808, OMIM 612158.

Submissions (2):

GeneDx
Classification: Uncertain significance. Last evaluated: 2024-06-27. Review status: criteria provided, single submitter. Criteria: GeneDx Variant Classification Process June 2021. Collection method: clinical testing. Allele origin: germline. Affected: yes.
Comment: Not observed at significant frequency in large population cohorts (gnomAD); In silico analysis supports that this missense variant has a deleterious effect on protein structure/function; Has not been previously published as pathogenic or benign to our knowledge

Labcorp Genetics (formerly Invitae), Labcorp
Classification: Uncertain significance for Primary familial hypertrophic cardiomyopathy; Dilated cardiomyopathy 1AA. Last evaluated: 2022-07-23. Review status: criteria provided, single submitter. Criteria: Invitae Variant Classification Sherloc (09022015). Collection method: clinical testing. Allele origin: germline.
Comment: In summary, the available evidence is currently insufficient to determine the role of this variant in disease. Therefore, it has been classified as a Variant of Uncertain Significance. Advanced modeling of protein sequence and biophysical properties (such as structural, functional, and spatial information, amino acid conservation, physicochemical variation, residue mobility, and thermodynamic stability) performed at Invitae indicates that this missense variant is not expected to disrupt ACTN2 protein function. This variant has not been reported in the literature in individuals affected with ACTN2-related conditions. This variant is not present in population databases (gnomAD no frequency). This sequence change replaces valine, which is neutral and non-polar, with alanine, which is neutral and non-polar, at codon 707 of the ACTN2 protein (p.Val707Ala).

NM_001103.4(ACTN2):c.2120T>C (p.Val707Ala)

Gene: ACTN2 (actinin alpha 2; plus strand). Cytogenetic location: 1q43.
Variant type: single nucleotide variant.
Coding change: c.2120T>C on transcript NM_001103.4 (MANE Select); coding-DNA position 2120, T replaced by C.
Protein change: p.Val707Ala; replaces valine 707 with alanine.
Molecular consequence: missense variant.
Genome position (GRCh38, 1-based): chr1:236,755,164, T>C. VCF-style: chr1-236755164-T-C. GRCh37 (hg19) VCF-style: chr1-236918464-T-C.
Other names: c.2120T>C, p.Val707Ala (NM_001278343.2); c.1496T>C, p.Val499Ala (NM_001278344.2); c.1370T>C, p.Val457Ala (NM_001412150.1); c.2120T>C (NM_001103.2); short protein forms V499A, V707A, V457A.
Identifiers: ClinVar variation 2185360 (VCV002185360.5), dbSNP rs2527647650, ClinGen allele CA345387711.